The following is an entry in ClinVar:

ClinVar aggregate classification (germline): Uncertain significance (1 of 4 stars; one submission).

Conditions:
Pontocerebellar hypoplasia, type 1C. Also called: HYPOMYELINATION WITH SPINAL MUSCULAR ATROPHY AND CEREBELLAR HYPOPLASIA. Identifiers: Orphanet 2254, MedGen C4015160, MONDO:0014485, OMIM 616081.

Submission:

Broad Center for Mendelian Genomics, Broad Institute of MIT and Harvard
Classification: Uncertain significance for Pontocerebellar hypoplasia, type 1C. Last evaluated: 2018-12-03. Review status: criteria provided, single submitter. Criteria: ACMG Guidelines, 2015. Collection method: research. Allele origin: germline. Inheritance: Autosomal recessive inheritance. Affected: yes.
Comment: The p.Leu232Pro variant in EXOSC8 has not been previously reported in individuals with pontocerebellar hypoplasia but was absent from large population studies. Computational prediction tools and conservation analyses suggest that this variant may impact the protein, though this information is not predictive enough to determine pathogenicity. In summary, the clinical significance of the p.Leu232Pro variant is uncertain. ACMG/AMP Criteria applied: PM2, PP3 (Richards 2015).

NM_181503.3(EXOSC8):c.695T>C (p.Leu232Pro)

Gene: EXOSC8 (exosome component 8; plus strand). Cytogenetic location: 13q13.3.
Variant type: single nucleotide variant.
Coding change: c.695T>C on transcript NM_181503.3 (MANE Select); coding-DNA position 695, T replaced by C.
Protein change: p.Leu232Pro; replaces leucine 232 with proline.
Molecular consequence: missense variant.
Genome position (GRCh38, 1-based): chr13:37,008,815, T>C. VCF-style: chr13-37008815-T-C. GRCh37 (hg19) VCF-style: chr13-37582952-T-C.
Other names: short protein forms L232P.
Identifiers: ClinVar variation 813915 (VCV000813915.1), dbSNP rs1593709247, ClinGen allele CA387854501.
Genomic context (GRCh38, chr13:37,008,815, plus strand): 5'-GAGAGGAGGAACATCTGGCAACAGGAACCTTAACAATAGTAATGGATGAGGAAGGCAAAC[T>C]CTGTTGTCTTCACAAACCAGGCATGTTCCCGCCACTTCAGTCCTAAACATATGTAGATGA-3'
Protein context (NP_852480.1, residues 222-242): LTIVMDEEGK[Leu232Pro]CCLHKPGGSG